The following is an entry in ClinVar:

ClinVar aggregate classification (germline): Conflicting classifications of pathogenicity. Review status: criteria provided, conflicting classifications (1 of 4 stars). 3 submissions from 3 submitters: Likely pathogenic (2); Uncertain significance (1). Last evaluated 2026-02-26.

Conditions:
Arthrogryposis, distal, type 2B3. Also called: Arthrogryposis, distal, type 2B3 (Sheldon-Hall). Identifiers: MedGen C5193098, MONDO:0032751, OMIM 618436.

Submissions (3):

GeneDx
Classification: Likely pathogenic. Last evaluated: 2026-02-26. Review status: criteria provided, single submitter. Criteria: GeneDx Variant Classification Process June 2021. Collection method: clinical testing. Allele origin: germline.
Comment: Reported as a de novo variant in a proband with Sheldon-Hall syndrome (PMID: 16642020); In silico analysis supports that this missense variant has a deleterious effect on protein structure/function; Not observed at significant frequency in large population cohorts (gnomAD); This variant is associated with the following publications: (PMID: 29625835, 23401156, 21402185, 19309503, 16642020, 17380469)

Dasa
Classification: Likely pathogenic. Last evaluated: 2025-09-15. Review status: criteria provided, single submitter. Criteria: DASA Assertion Criteria. Collection method: clinical testing. Allele origin: germline.
Comment: NM_002470.4(MYH3):c.1549G>T (p.Asp517Tyr) is a missense variant that results in the substitution of aspartic acid with tyrosine. The affected residue or protein region has prior evidence supporting clinical relevance. This variant has been reported in individuals with MYH3-related disorders (PMID: 16642020). Also, this variant is absent from population databases. Computational evidence supports a deleterious effect. Based on the currently available evidence, this variant is classified as likely pathogenic.

SIB Swiss Institute of Bioinformatics
Classification: Uncertain significance for Arthrogryposis, distal, type 2B3. Last evaluated: 2019-08-21. Review status: criteria provided, single submitter. Criteria: ACMG Guidelines, 2015. Collection method: curation. Allele origin: unknown.
Comment: This variant is interpreted as a variant of uncertain significance for Arthrogryposis, distal, 2B3, autosomal dominant. The following ACMG Tag(s) were applied: PM2, PP3, PM1.

Literature cited by the submitters: PubMed 16642020 (cited by Dasa and SIB Swiss Institute of Bioinformatics).

NM_002470.4(MYH3):c.1549G>T (p.Asp517Tyr)

Gene: MYH3 (myosin heavy chain 3; minus strand). Cytogenetic location: 17p13.1.
Variant type: single nucleotide variant.
Coding change: c.1549G>T on transcript NM_002470.4 (MANE Select); coding-DNA position 1549, G replaced by T.
Protein change: p.Asp517Tyr; replaces aspartic acid 517 with tyrosine.
Molecular consequence: missense variant.
Genome position (GRCh38, 1-based): chr17:10,642,858, C>A on the plus strand (G>T on the coding strand, the complement: MYH3 is on the minus strand). VCF-style: chr17-10642858-C-A. GRCh37 (hg19) VCF-style: chr17-10546175-C-A.
Other names: c.1549G>T (NM_002470.3); short protein forms D517Y.
Identifiers: ClinVar variation 694359 (VCV000694359.3), dbSNP rs1597488252, ClinGen allele CA398172529.
Genomic context (GRCh38, chr17:10,642,858, plus strand): 5'-AGCTTACGGTGGGGATGGAACTGGATACCTTCTCGATGAGCTCGATGCAGGCAGCCAGGT[C>A]CATCCCGAAGTCAATGAACGTCCACTCGATGCCTTCCTTCTTGTACTCCTCCTGCTCCAG-3'
Protein context (NP_002461.2, residues 507-527): IEWTFIDFGM[Asp517Tyr]LAACIELIEK